The following is an entry in ClinVar:

ClinVar aggregate classification (germline): Likely benign (1 of 4 stars; one submission).

Submission:

CeGaT Center for Human Genetics Tuebingen
Classification: Likely benign. Last evaluated: 2023-02-01. Review status: criteria provided, single submitter. Criteria: CeGaT Center For Human Genetics Tuebingen Variant Classification Criteria Version 2. Collection method: clinical testing. Allele origin: germline. Affected: yes. Observed: 1 variant allele.
Comment: BCORL1: PM2:Supporting, BP4, BP7

NM_001379451.1(BCORL1):c.429A>T (p.Pro143=)

Gene: BCORL1 (BCL6 corepressor like 1; plus strand). Cytogenetic location: Xq26.1.
Variant type: single nucleotide variant.
Coding change: c.429A>T on transcript NM_001379451.1 (MANE Select); coding-DNA position 429, A replaced by T.
Protein change: p.Pro143=; no amino-acid change (proline 143 retained).
Molecular consequence: synonymous variant.
Genome position (GRCh38, 1-based): chrX:130,013,201, A>T. VCF-style: chrX-130013201-A-T. GRCh37 (hg19) VCF-style: chrX-129147177-A-T.
Other names: c.429A>T, p.Pro143= (NM_001184772.3, NM_001379450.1, NM_021946.5).
Identifiers: ClinVar variation 2661411 (VCV002661411.24), dbSNP rs1929111309, ClinGen allele CA518832197.